The following is an entry in ClinVar:

NM_001308093.3(GATA4):c.912+5G>T

Gene: GATA4 (GATA binding protein 4). Cytogenetic location: 8p23.1.
Variant type: single nucleotide variant.
Coding change: c.912+5G>T on transcript NM_001308093.3 (MANE Select); 5 bases into the intron after coding-DNA position 912, G replaced by T.
Molecular consequence: intron variant.
Genome position (GRCh38, 1-based): chr8:11,750,241, G>T. VCF-style: chr8-11750241-G-T. GRCh37 (hg19) VCF-style: chr8-11607750-G-T.
Other names: c.909+5G>T (NM_002052.5); c.165+1156G>T (NM_001374274.1); c.291+5G>T (NM_001374273.1, NM_001308094.2).
Identifiers: ClinVar variation 1061013 (VCV001061013.7), dbSNP rs371005520, ClinGen allele CA4630733.
Genomic context (GRCh38, chr8:11,750,241, plus strand): 5'-ATGCGGAGGGCGAGCCTGTGTGCAATGCCTGCGGCCTCTACATGAAGCTCCACGGGGTAC[G>T]TGGGTCCTGCGCCCATGCGGCATCCTTGCCTTCTGATGCCCATCTCTCAGTCCTCCCTTG-3'

ClinVar aggregate classification (germline): Uncertain significance (1 of 4 stars; one submission).

Conditions:
Atrioventricular septal defect 4 (AVSD4). Identifiers: MedGen C3280781, MONDO:0013747, OMIM 614430.

Allele frequency attached by ClinVar (database versions not stated): ExAC 0.00002; ESP Exome Variant Server 0.00008.
gnomAD v4.1: 101 of 1,612,198 alleles (0.0063%); highest among the groups gnomAD compares: Non-Finnish European, 0.0084%; no homozygotes.

Submission:

Labcorp Genetics (formerly Invitae), Labcorp
Classification: Uncertain significance for Atrioventricular septal defect 4. Last evaluated: 2023-12-17. Review status: criteria provided, single submitter. Criteria: Invitae Variant Classification Sherloc (09022015). Collection method: clinical testing. Allele origin: germline.
Comment: This sequence change falls in intron 4 of the GATA4 gene. It does not directly change the encoded amino acid sequence of the GATA4 protein. It affects a nucleotide within the consensus splice site. This variant is present in population databases (rs371005520, gnomAD 0.004%). This variant has not been reported in the literature in individuals affected with GATA4-related conditions. ClinVar contains an entry for this variant (Variation ID: 1061013). Variants that disrupt the consensus splice site are a relatively common cause of aberrant splicing (PMID: 17576681, 9536098). Algorithms developed to predict the effect of sequence changes on RNA splicing suggest that this variant may disrupt the consensus splice site. In summary, the available evidence is currently insufficient to determine the role of this variant in disease. Therefore, it has been classified as a Variant of Uncertain Significance.

Literature cited by the submitters: PubMed 17576681; PubMed 9536098.